The following is an entry in ClinVar:

ClinVar aggregate classification (germline): Uncertain significance (1 of 4 stars; one submission).

Conditions:
Inborn genetic diseases. Identifiers: MedGen C0950123, MeSH D030342.

Submission:

Ambry Genetics
Classification: Uncertain significance for Inborn genetic diseases. Last evaluated: 2024-02-20. Review status: criteria provided, single submitter. Criteria: Ambry Variant Classification Scheme 2023. Collection method: clinical testing. Allele origin: germline.
Comment: The p.D179G variant (also known as c.536A>G), located in coding exon 7 of the ERCC2 gene, results from an A to G substitution at nucleotide position 536. The aspartic acid at codon 179 is replaced by glycine, an amino acid with similar properties. This amino acid position is conserved. In addition, this alteration is predicted to be deleterious by in silico analysis. Based on the available evidence, the clinical significance of this alteration remains unclear.

NM_000400.4(ERCC2):c.536A>G (p.Asp179Gly)

Gene: ERCC2 (ERCC excision repair 2, TFIIH core complex helicase subunit; minus strand). Cytogenetic location: 19q13.32.
Variant type: single nucleotide variant.
Coding change: c.536A>G on transcript NM_000400.4 (MANE Select); coding-DNA position 536, A replaced by G.
Protein change: p.Asp179Gly; replaces aspartic acid 179 with glycine.
Molecular consequence: missense variant.
Genome position (GRCh38, 1-based): chr19:45,364,896, T>C on the plus strand (A>G on the coding strand, the complement: ERCC2 is on the minus strand). VCF-style: chr19-45364896-T-C. GRCh37 (hg19) VCF-style: chr19-45868154-T-C.
Other names: c.464A>G, p.Asp155Gly (NM_001130867.2); short protein forms D155G, D179G.
Identifiers: ClinVar variation 3231704 (VCV003231704.1), dbSNP rs2514034115, ClinGen allele CA406375702.
Genomic context (GRCh38, chr19:45,364,896, plus strand): 5'-ACTGAGTATCGAGCAAGGAAGTATGGGCACCAGCCCTGGCGCCGCCCCAGGGCCTTCAGG[T>C]CATCCAGGTTGTAGATGCCAGCGGGGAGGGGCACCTCACGCCCATGGGCATCAAATTCCT-3'
Protein context (NP_000391.1, residues 169-189): PLPAGIYNLD[Asp179Gly]LKALGRRQGW